The following is an entry in ClinVar:

NM_182961.4(SYNE1):c.10749G>C (p.Gln3583His)

Gene: SYNE1 (spectrin repeat containing nuclear envelope protein 1; minus strand). Cytogenetic location: 6q25.2.
Variant type: single nucleotide variant.
Coding change: c.10749G>C on transcript NM_182961.4 (MANE Select); coding-DNA position 10749, G replaced by C.
Protein change: p.Gln3583His; replaces glutamine 3583 with histidine.
Molecular consequence: missense variant.
Genome position (GRCh38, 1-based): chr6:152,354,836, C>G on the plus strand (G>C on the coding strand, the complement: SYNE1 is on the minus strand). VCF-style: chr6-152354836-C-G. GRCh37 (hg19) VCF-style: chr6-152675971-C-G.
Other names: c.10770G>C, p.Gln3590His (NM_033071.5); short protein forms Q3583H, Q3590H.
Identifiers: ClinVar variation 2075240 (VCV002075240.2), dbSNP rs1313581071, ClinGen allele CA366125367.

ClinVar aggregate classification (germline): Uncertain significance (1 of 4 stars; one submission).

Conditions:
Emery-Dreifuss muscular dystrophy 4, autosomal dominant (EDMD4). Also called: EMERY-DREIFUSS MUSCULAR DYSTROPHY 4 WITH VARIABLE FEATURES. Identifiers: Orphanet 261, MedGen C2751807, MONDO:0013071, OMIM 612998.
Autosomal recessive ataxia, Beauce type. Also called: SYNE1 Deficiency; Spinocerebellar ataxia, autosomal recessive 8; ATAXIA, RECESSIVE, OF BEAUCE; SYNE1-Related Autosomal Recessive Cerebellar Ataxia. Identifiers: Orphanet 88644, MedGen C1853116, MONDO:0012549, OMIM 610743.

Submission:

Labcorp Genetics (formerly Invitae), Labcorp
Classification: Uncertain significance for Emery-Dreifuss muscular dystrophy 4, autosomal dominant; Autosomal recessive ataxia, Beauce type. Last evaluated: 2023-08-17. Review status: criteria provided, single submitter. Criteria: Invitae Variant Classification Sherloc (09022015). Collection method: clinical testing. Allele origin: germline.
Comment: An algorithm developed to predict the effect of missense changes on protein structure and function (PolyPhen-2) suggests that this variant is likely to be disruptive. In summary, the available evidence is currently insufficient to determine the role of this variant in disease. Therefore, it has been classified as a Variant of Uncertain Significance. ClinVar contains an entry for this variant (Variation ID: 2075240). This variant has not been reported in the literature in individuals affected with SYNE1-related conditions. This variant is not present in population databases (gnomAD no frequency). This sequence change replaces glutamine, which is neutral and polar, with histidine, which is basic and polar, at codon 3590 of the SYNE1 protein (p.Gln3590His).